The following is an entry in ClinVar:

NM_000038.6(APC):c.3992G>C (p.Arg1331Thr)

Gene: APC (APC regulator of Wnt signaling pathway; plus strand). Cytogenetic location: 5q22.2.
Variant type: single nucleotide variant.
Coding change: c.3992G>C on transcript NM_000038.6 (MANE Select); coding-DNA position 3992, G replaced by C.
Protein change: p.Arg1331Thr; replaces arginine 1331 with threonine.
Molecular consequence: missense variant. On other transcripts: non-coding transcript variant (2).
Genome position (GRCh38, 1-based): chr5:112,839,586, G>C. VCF-style: chr5-112839586-G-C. GRCh37 (hg19) VCF-style: chr5-112175283-G-C.
Other names: c.3992G>C, p.Arg1331Thr (NM_001127510.3, NM_001354895.2, NM_001407450.1); c.3938G>C, p.Arg1313Thr (NM_001127511.3); c.4046G>C, p.Arg1349Thr (NM_001354896.2, NM_001407447.1, NM_001407448.1 and 1 more transcripts); c.4022G>C, p.Arg1341Thr (NM_001354897.2); c.3917G>C, p.Arg1306Thr (NM_001354898.2); c.3908G>C, p.Arg1303Thr (NM_001354899.2); c.3869G>C, p.Arg1290Thr (NM_001354900.2); c.3815G>C, p.Arg1272Thr (NM_001354901.2, NM_001407453.1); and 11 more; short protein forms R1202T, R1205T, R1240T, R1272T, R1290T, R1303T, R1306T, R947T.
Identifiers: ClinVar variation 3881041 (VCV003881041.2).
Genomic context (GRCh38, chr5:112,839,586, plus strand): 5'-TTGGAACTAGGTCAGCTGAAGATCCTGTGAGCGAAGTTCCAGCAGTGTCACAGCACCCTA[G>C]AACCAAATCCAGCAGACTGCAGGGTTCTAGTTTATCTTCAGAATCAGCCAGGCACAAAGC-3'
Protein context (NP_000029.2, residues 1321-1341): SEVPAVSQHP[Arg1331Thr]TKSSRLQGSS

ClinVar aggregate classification (germline): Uncertain significance. Review status: criteria provided, multiple submitters, no conflicts (2 of 4 stars). 2 submissions from 2 submitters: Uncertain significance (2). Last evaluated 2025-01-29.

Conditions:
Hereditary cancer-predisposing syndrome. Also called: Tumor predisposition; Neoplastic Syndromes, Hereditary; Hereditary Cancer Syndrome; Hereditary neoplastic syndrome. Identifiers: Orphanet 140162, MedGen C0027672, MeSH D009386, MONDO:0015356.
Familial adenomatous polyposis 1 (FAP1). Also called: POLYPOSIS, ADENOMATOUS INTESTINAL; FAMILIAL ADENOMATOUS POLYPOSIS 1, ATTENUATED. Identifiers: MedGen C2713442, MONDO:0021056, OMIM 175100. Disease mechanism: loss of function.

Submissions (2):

Labcorp Genetics (formerly Invitae), Labcorp
Classification: Uncertain significance for Familial adenomatous polyposis 1. Last evaluated: 2025-01-29. Review status: criteria provided, single submitter. Criteria: Invitae Variant Classification Sherloc (09022015). Collection method: clinical testing. Allele origin: germline.
Comment: This sequence change replaces arginine, which is basic and polar, with threonine, which is neutral and polar, at codon 1331 of the APC protein (p.Arg1331Thr). This variant is not present in population databases (gnomAD no frequency). This variant has not been reported in the literature in individuals affected with APC-related conditions. Invitae Evidence Modeling of protein sequence and biophysical properties (such as structural, functional, and spatial information, amino acid conservation, physicochemical variation, residue mobility, and thermodynamic stability) indicates that this missense variant is not expected to disrupt APC protein function with a negative predictive value of 95%. In summary, the available evidence is currently insufficient to determine the role of this variant in disease. Therefore, it has been classified as a Variant of Uncertain Significance.

Ambry Genetics
Classification: Uncertain significance for Hereditary cancer-predisposing syndrome. Last evaluated: 2024-12-12. Review status: criteria provided, single submitter. Criteria: Ambry Variant Classification Scheme 2023. Collection method: clinical testing. Allele origin: germline.
Comment: The p.R1331T variant (also known as c.3992G>C), located in coding exon 15 of the APC gene, results from a G to C substitution at nucleotide position 3992. The arginine at codon 1331 is replaced by threonine, an amino acid with similar properties. This amino acid position is well conserved in available vertebrate species. In addition, in silico predictors for this gene do not accurately predict pathogenicity. Missense alterations in APC are not a common cause of disease (Spier I et al. Genet Med. 2024 Feb;26(2):100992). Based on the available evidence, the clinical significance of this variant remains unclear.